The following is an entry in ClinVar:

ClinVar aggregate classification (germline): Uncertain significance (1 of 4 stars; one submission).

Conditions:
Hereditary cancer-predisposing syndrome. Also called: Neoplastic Syndromes, Hereditary; Tumor predisposition; Hereditary Cancer Syndrome; Hereditary neoplastic syndrome. Identifiers: Orphanet 140162, MedGen C0027672, MeSH D009386, MONDO:0015356.

Submission:

Ambry Genetics
Classification: Uncertain significance for Hereditary cancer-predisposing syndrome. Last evaluated: 2022-03-02. Review status: criteria provided, single submitter. Criteria: Ambry Variant Classification Scheme 2023. Collection method: clinical testing. Allele origin: germline.
Comment: The p.A417S variant (also known as c.1249G>T), located in coding exon 5 of the AXIN2 gene, results from a G to T substitution at nucleotide position 1249. The alanine at codon 417 is replaced by serine, an amino acid with similar properties. This amino acid position is conserved. In addition, this alteration is predicted to be tolerated by in silico analysis. Since supporting evidence is limited at this time, the clinical significance of this alteration remains unclear.

NM_004655.4(AXIN2):c.1249G>T (p.Ala417Ser)

Gene: AXIN2 (axin 2; minus strand). Cytogenetic location: 17q24.1.
Variant type: single nucleotide variant.
Coding change: c.1249G>T on transcript NM_004655.4 (MANE Select); coding-DNA position 1249, G replaced by T.
Protein change: p.Ala417Ser; replaces alanine 417 with serine.
Molecular consequence: missense variant.
Genome position (GRCh38, 1-based): chr17:65,537,787, C>A on the plus strand (G>T on the coding strand, the complement: AXIN2 is on the minus strand). VCF-style: chr17-65537787-C-A. GRCh37 (hg19) VCF-style: chr17-63533905-C-A.
Other names: c.1249G>T, p.Ala417Ser (NM_001363813.1); short protein forms A417S.
Identifiers: ClinVar variation 1760265 (VCV001760265.2), dbSNP rs2509417997, ClinGen allele CA400677879.